The following is an entry in ClinVar:

ClinVar aggregate classification (germline): Pathogenic. Review status: criteria provided, single submitter (1 of 4 stars). 2 submissions from 2 submitters: Pathogenic (1). 1 of the submissions does not count toward it. Last evaluated 2020-05-28.

Conditions:
Developmental and epileptic encephalopathy, 65. Also called: EPILEPTIC ENCEPHALOPATHY, EARLY INFANTILE, 65. Identifiers: MedGen C4693925, MONDO:0033374, OMIM 618008.

Submissions (2):

Broad Center for Mendelian Genomics, Broad Institute of MIT and Harvard
Classification: Pathogenic for Developmental and epileptic encephalopathy, 65. Last evaluated: 2020-05-28. Review status: criteria provided, single submitter. Criteria: ACMG Guidelines, 2015. Collection method: research. Allele origin: germline. Inheritance: Autosomal dominant inheritance.
Comment: This variant was also identified in an additional individual in the literature with intellectual disability and seizures, who is assumed de novo, but maternity and paternity have not been confirmed (PMID: 30664714). This variant was absent from large population studies. Computational prediction tools and conservation analyses do not provide strong support for or against an impact to the protein. Multiple variants predicted to be in close proximity to p.Ile664Met have been reported in association with disease in the literature and the p.Ile664Met is located in a region of CYFIP2 that is essential to protein folding and stability, suggesting that this variant is in a functional domain and supports pathogenicity (PMID: 30664714). The number of missense variants reported in CYFIP2 in the general population is lower than expected, suggesting there is little benign variation in this gene and slightly increasing the possibility that a missense variant in this gene may not be tolerated. In summary, this variant meets criteria to be classified as pathogenic for intellectual disability and seizures in an autosomal dominant manner based on multiple de novo occurrences in affected individuals and absence from the general population. ACMG/AMP Criteria applied: PS2, PM2, PM6, PM1, PS4_supporting, PP2 (Richards 2015).

OMIM
Classification: Pathogenic for DEVELOPMENTAL AND EPILEPTIC ENCEPHALOPATHY 65. Last evaluated: 2020-11-17. Review status: no assertion criteria provided. Collection method: literature only. Allele origin: germline. Not counted in ClinVar's aggregate classification.

Literature cited by the submitters: PubMed 30664714 (cited by Broad Center for Mendelian Genomics, Broad Institute of MIT and Harvard and OMIM).

NM_001037333.3(CYFIP2):c.1917C>G (p.Ile639Met)

Gene: CYFIP2 (cytoplasmic FMR1 interacting protein 2; plus strand). Cytogenetic location: 5q33.3.
Variant type: single nucleotide variant.
Coding change: c.1917C>G on transcript NM_001037333.3 (MANE Select); coding-DNA position 1917, C replaced by G.
Protein change: p.Ile639Met; replaces isoleucine 639 with methionine.
Molecular consequence: missense variant.
Genome position (GRCh38, 1-based): chr5:157,325,573, C>G. VCF-style: chr5-157325573-C-G. GRCh37 (hg19) VCF-style: chr5-156752581-C-G.
Other names: c.1839C>G, p.Ile613Met (NM_001291721.2); c.1992C>G, p.Ile664Met (NM_001291722.2); c.1917C>G, p.Ile639Met (NM_014376.4); short protein forms I664M, I613M, I639M.
Identifiers: ClinVar variation 973749 (VCV000973749.4), dbSNP rs369858004, ClinGen allele CA361970249.